The following is an entry in ClinVar:

NM_001011658.4(TRAPPC2):c.*394T>C

Gene: TRAPPC2 (trafficking protein particle complex subunit 2; minus strand). Cytogenetic location: Xp22.2.
Variant type: single nucleotide variant.
Coding change: c.*394T>C on transcript NM_001011658.4 (MANE Select); 394 bases downstream of the stop codon, T replaced by C.
Molecular consequence: 3 prime UTR variant.
Genome position (GRCh38, 1-based): chrX:13,714,013, A>G on the plus strand (T>C on the coding strand, the complement: TRAPPC2 is on the minus strand). VCF-style: chrX-13714013-A-G. GRCh37 (hg19) VCF-style: chrX-13732132-A-G.
Other names: c.*394T>C (NM_001128835.3, NM_014563.6).
Identifiers: ClinVar variation 367989 (VCV000367989.5), dbSNP rs780042144, ClinGen allele CA10646002.
Genomic context (GRCh38, chrX:13,714,013, plus strand): 5'-GACCAATATGGTGAAACCCTGTCTCTACTAAAAATACAAAAATTAGCCGGGCGTGGTGGC[A>G]CGCGCCTGTAGTCCCAGCTACTTGGAGGCTGAGGCAGGAGAATCGCCTGAACCTGGGAGG-3'

ClinVar aggregate classification (germline): Benign (1 of 4 stars; one submission).

Conditions:
Spondyloepiphyseal dysplasia tarda (SEDT). Also called: SPONDYLOEPIPHYSEAL DYSPLASIA, LATE. Identifiers: Orphanet 93284, MedGen CN033239, MONDO:0019667.

Allele frequency attached by ClinVar (database versions not stated): gnomAD 0.00274; 1000 Genomes Project 0.00291; 1000 Genomes Project 30x 0.00291; TOPMed 0.00383.

Submission:

Illumina Laboratory Services, Illumina
Classification: Benign for Spondyloepiphyseal dysplasia tarda, X-linked. Last evaluated: 2018-01-13. Review status: criteria provided, single submitter. Criteria: ICSL Variant Classification Criteria 13 December 2019. Collection method: clinical testing. Allele origin: germline.
Comment: This variant was observed in the ICSL laboratory as part of a predisposition screen in an ostensibly healthy population. It had not been previously curated by ICSL or reported in the Human Gene Mutation Database (HGMD: prior to June 1st, 2018), and was therefore a candidate for classification through an automated scoring system. Utilizing variant allele frequency, disease prevalence and penetrance estimates, and inheritance mode, an automated score was calculated to assess if this variant is too frequent to cause the disease. Based on the score and internal cut-off values, a variant classified as benign is not then subjected to further curation. The score for this variant resulted in a classification of benign for this disease.